The following is an entry in ClinVar:

ClinVar aggregate classification (germline): Conflicting classifications of pathogenicity. Review status: criteria provided, conflicting classifications (1 of 4 stars). 3 submissions from 3 submitters: Uncertain significance (2); Benign (1). Last evaluated 2026-04-07.

Conditions:
NOTCH1-related disorder. Also called: NOTCH1-related condition; NOTCH1-related disorders.
Adams-Oliver syndrome 5 (AOS5). Identifiers: Orphanet 974, MedGen C4014970, MONDO:0014459, OMIM 616028.

Allele frequency attached by ClinVar (database versions not stated): gnomAD exomes 0.00004; TOPMed 0.00002; ExAC 0.00003; gnomAD 0.00005.
gnomAD v4.1: 65 of 1,612,210 alleles (0.004%); highest among the groups gnomAD compares: Admixed American, 0.0083%; no homozygotes.

Submissions (3):

GeneDx
Classification: Uncertain significance. Last evaluated: 2026-04-07. Review status: criteria provided, single submitter. Criteria: GeneDx Variant Classification Process June 2021. Collection method: clinical testing. Allele origin: germline.
Comment: Has not been previously published as pathogenic or benign to our knowledge; In silico analysis suggests that this missense variant does not alter protein structure/function

Labcorp Genetics (formerly Invitae), Labcorp
Classification: Benign for Adams-Oliver syndrome 5. Last evaluated: 2025-11-23. Review status: criteria provided, single submitter. Criteria: Invitae Variant Classification Sherloc (09022015). Collection method: clinical testing. Allele origin: germline.

PreventionGenetics, part of Exact Sciences
Classification: Uncertain significance for NOTCH1-related condition. Last evaluated: 2023-08-09. Review status: criteria provided, single submitter. Criteria: ACMG Guidelines, 2015. Collection method: clinical testing. Allele origin: germline.
Comment: The NOTCH1 c.6298A>G variant is predicted to result in the amino acid substitution p.Ile2100Val. This variant was reported in an individual with bicuspid aortic valve; however, the authors interpreted the variant as likely benign (Marek Debiec et al. 2022. PubMed ID: 35288444). This variant is reported in 0.0087% of alleles in individuals of Latino descent in gnomAD. Although we suspect that this variant may be benign, at this time, the clinical significance of this variant is uncertain due to the absence of conclusive functional and genetic evidence.

NM_017617.5(NOTCH1):c.6298A>G (p.Ile2100Val)

Gene: NOTCH1 (notch receptor 1; minus strand). Cytogenetic location: 9q34.3.
Variant type: single nucleotide variant.
Coding change: c.6298A>G on transcript NM_017617.5 (MANE Select); coding-DNA position 6298, A replaced by G.
Protein change: p.Ile2100Val; replaces isoleucine 2100 with valine.
Molecular consequence: missense variant.
Genome position (GRCh38, 1-based): chr9:136,497,441, T>C on the plus strand (A>G on the coding strand, the complement: NOTCH1 is on the minus strand). VCF-style: chr9-136497441-T-C. GRCh37 (hg19) VCF-style: chr9-139391893-T-C.
Other names: c.6298A>G (NM_017617.4, NM_017617.3); short protein forms I2100V.
Identifiers: ClinVar variation 2201419 (VCV002201419.7), dbSNP rs543533126, ClinGen allele CA5339941.